The following is an entry in ClinVar:

NM_005419.4(STAT2):c.2000G>A (p.Arg667Gln)

Gene: STAT2 (signal transducer and activator of transcription 2; minus strand). Cytogenetic location: 12q13.3.
Variant type: single nucleotide variant.
Coding change: c.2000G>A on transcript NM_005419.4 (MANE Select); coding-DNA position 2000, G replaced by A.
Protein change: p.Arg667Gln; replaces arginine 667 with glutamine.
Molecular consequence: missense variant.
Genome position (GRCh38, 1-based): chr12:56,346,486, C>T on the plus strand (G>A on the coding strand, the complement: STAT2 is on the minus strand). VCF-style: chr12-56346486-C-T. GRCh37 (hg19) VCF-style: chr12-56740270-C-T.
Other names: c.1988G>A, p.Arg663Gln (NM_198332.2); short protein forms R663Q, R667Q.
Identifiers: ClinVar variation 860056 (VCV000860056.7), dbSNP rs200606416, ClinGen allele CA6630347.
Genomic context (GRCh38, chr12:56,346,486, plus strand): 5'-TGTCAACGATTCCCACCTTTCTCCTGGTAGTAGCACCCAAAAGCTTCATCCCGGGGGATT[C>T]GGGGATAGAGGAAGCGCAGTGGGTTTTCAGGTATATTCTCCTCAGTGAGCAACTGGTAAT-3'
Protein context (NP_005410.1, residues 657-677): PENPLRFLYP[Arg667Gln]IPRDEAFGCY

ClinVar aggregate classification (germline): Uncertain significance. Review status: criteria provided, multiple submitters, no conflicts (2 of 4 stars). 3 submissions from 3 submitters: Uncertain significance (3). Last evaluated 2024-09-20.

Conditions:
Primary immunodeficiency with post-measles-mumps-rubella vaccine viral infection. Also called: Immunodeficiency 44. Identifiers: Orphanet 431166, MedGen C4225260, MONDO:0014715, OMIM 616636.
Pseudo-TORCH syndrome 3. Identifiers: MedGen C5394391, MONDO:0030044, OMIM 618886.

Allele frequency attached by ClinVar (database versions not stated): gnomAD exomes 0.00004 and 0.00007; ExAC 0.00007; gnomAD 0.00009; TOPMed 0.00010; ESP Exome Variant Server 0.00015.
gnomAD v4.1: 74 of 1,614,154 alleles (0.0046%); highest among the groups gnomAD compares: Admixed American, 0.02%; no homozygotes.

Submissions (3):

Blueprint Genetics
Classification: Uncertain significance. Last evaluated: 2024-09-20. Review status: criteria provided, single submitter. Criteria: ACMG Guidelines, 2015. Collection method: clinical testing. Allele origin: germline.

Labcorp Genetics (formerly Invitae), Labcorp
Classification: Uncertain significance for Primary immunodeficiency with post-measles-mumps-rubella vaccine viral infection. Last evaluated: 2022-08-06. Review status: criteria provided, single submitter. Criteria: Invitae Variant Classification Sherloc (09022015). Collection method: clinical testing. Allele origin: germline.
Comment: This sequence change replaces arginine, which is basic and polar, with glutamine, which is neutral and polar, at codon 667 of the STAT2 protein (p.Arg667Gln). This variant is present in population databases (rs200606416, gnomAD 0.01%). This variant has not been reported in the literature in individuals affected with STAT2-related conditions. ClinVar contains an entry for this variant (Variation ID: 860056). Algorithms developed to predict the effect of missense changes on protein structure and function output the following: SIFT: "Tolerated"; PolyPhen-2: "Benign"; Align-GVGD: "Class C0". The glutamine amino acid residue is found in multiple mammalian species, which suggests that this missense change does not adversely affect protein function. In summary, the available evidence is currently insufficient to determine the role of this variant in disease. Therefore, it has been classified as a Variant of Uncertain Significance.

Fulgent Genetics
Classification: Uncertain significance for Primary immunodeficiency with post-measles-mumps-rubella vaccine viral infection; Pseudo-TORCH syndrome 3. Last evaluated: 2022-04-18. Review status: criteria provided, single submitter. Criteria: ACMG Guidelines, 2015. Collection method: clinical testing. Allele origin: unknown.